The following is an entry in ClinVar:

ClinVar aggregate classification (germline): Benign. Review status: reviewed by expert panel (3 of 4 stars). 2 submissions from 2 submitters: Benign (1). 1 of the submissions does not count toward it. Last evaluated 2026-04-23.

Conditions:
Pitt-Hopkins syndrome (PTHS). Also called: ENCEPHALOPATHY, SEVERE EPILEPTIC, WITH AUTONOMIC DYSFUNCTION; MENTAL RETARDATION, SYNDROMAL, WITH INTERMITTENT HYPERVENTILATION. Identifiers: Orphanet 2896, MedGen C1970431, MONDO:0012589, OMIM 610954.

Submissions (2):

ClinGen Rett and Angelman-like Disorders Variant Curation Expert Panel
Classification: Benign for Pitt-Hopkins syndrome. Last evaluated: 2026-04-23. Review status: reviewed by expert panel. Criteria: ClinGen RettAS ACMG Specifications TCF4 V5.0.0. Collection method: curation. Allele origin: germline. Inheritance: Autosomal dominant inheritance.
Comment: The highest population minor allele frequency of the c.*4232_*4237del variant in TCF4 in gnomAD v4.1.1 is 0.00174 in the African / African-American population, which is higher than the ClinGen Rett and Angelman-like Disorders VCEP threshold (≥0.000083) for BA1, and therefore meets this criterion (BA1). The c.*4232_*4237del variant in TCF4 is therefore classified as benign based on the ACMG/AMP criteria (BA1). (TCF4 Specifications v5.0; curation approved on 4/23/2026)

CeGaT Center for Human Genetics Tuebingen
Classification: Benign. Last evaluated: 2022-10-01. Review status: criteria provided, single submitter. Criteria: CeGaT Center For Human Genetics Tuebingen Variant Classification Criteria Version 2. Collection method: clinical testing. Allele origin: germline. Affected: yes. Observed: 1 variant allele. Not counted in ClinVar's aggregate classification.
Comment: TCF4: BS1, BS2

NM_001083962.2(TCF4):c.*4214GTTTTT[3]

Gene: TCF4 (transcription factor 4; minus strand). Cytogenetic location: 18q21.2.
Variant type: Microsatellite.
Coding change: c.*4214GTTTTT[3] on transcript NM_001083962.2 (MANE Select); three copies in a row of the 6-base unit GTTTTT starting at c.*4214; the reference has four copies in a row; one copy, 6 bases deleted.
Molecular consequence: 3 prime UTR variant.
Genome position (GRCh38, 1-based): chr18:55,223,798-55,223,803, AAAAAC deleted on the plus strand (GTTTTT on the coding strand, the reverse complement: TCF4 is on the minus strand); deleting any 6 consecutive bases within chr18:55,223,798-55,223,825 gives the same sequence; the position shown is the placement nearest the transcript's 3' end. VCF-style (leftmost placement, unchanged base first): chr18-55223797-TAAAAAC-T. GRCh37 (hg19) VCF-style: chr18-52891028-TAAAAAC-T.
Other names: c.*4214GTTTTT[3] (NM_001243226.3, NM_001243227.2, NM_001243228.2 and 42 more transcripts).
Identifiers: ClinVar variation 327245 (VCV000327245.30), dbSNP rs571078805, ClinGen allele CA10641724.